The following is an entry in ClinVar:

GRCh37/hg19 15q11.2-13.1(chr15:23290787-28560269)x1

Genes: NPAP1 (nuclear pore associated protein 1; plus strand), OCA2 (OCA2 melanosomal transmembrane protein; minus strand), PWAR1 (Prader Willi/Angelman region RNA 1; plus strand), PWAR4 (Prader Willi/Angelman region RNA 4; plus strand), PWAR5 (Prader Willi/Angelman region RNA 5; plus strand) and 19 more. Cytogenetic location: 15q11.2-13.1.
Variant type: copy number loss.
Change: copy number 1 (one copy instead of two) of chr15:23,290,787-28,560,269 (5.27 Mb, GRCh37 coordinates, 1-based), cytogenetic band 15q11.2-13.1.
Identifiers: ClinVar variation 1808719 (VCV001808719.2).

ClinVar aggregate classification (germline): Pathogenic (1 of 4 stars; one submission).

Submission:

Quest Diagnostics Nichols Institute San Juan Capistrano
Classification: Pathogenic. Last evaluated: 2024-07-05. Review status: criteria provided, single submitter. Criteria: ACMG/ClinGen CNV Guidelines, 2019. Collection method: clinical testing. Allele origin: unknown.
Comment: This 15q11.2q13.1 region is associated with the 15q11q13 recurrent deletion interval (BP2-BP3) of the Prader-Willi/Angelman critical region and includes several imprinted genes, including paternally expressed SNRPN and maternally expressed UBE3A. This deletion is consistent with either Angelman (AS; OMIM 105830) or Prader-Willi (PWS; OMIM 176270) syndrome, depending on the parent of origin for the deleted chromosome 15 segment. See GeneReviews for additional information and references (Dagli 2021, Driscoll 2023). References: Dagli et al. Angelman Syndrome. GeneReviews [updated 2021 Apr 22]. PMID 20301323 Driscoll et al. Prader-Willi Syndrome. GeneReviews [updated 2023 Nov 2]. PMID 20301505